The following is an entry in ClinVar:

NM_153676.4(USH1C):c.381G>T (p.Gly127=)

Gene: USH1C (USH1 protein network component harmonin; minus strand). Cytogenetic location: 11p15.1.
Variant type: single nucleotide variant.
Coding change: c.381G>T on transcript NM_153676.4 (MANE Select); coding-DNA position 381, G replaced by T.
Protein change: p.Gly127=; no amino-acid change (glycine 127 retained).
Molecular consequence: synonymous variant. On other transcripts: non-coding transcript variant (1).
Genome position (GRCh38, 1-based): chr11:17,531,160, C>A on the plus strand (G>T on the coding strand, the complement: USH1C is on the minus strand). VCF-style: chr11-17531160-C-A. GRCh37 (hg19) VCF-style: chr11-17552707-C-A.
Other names: c.381G>T, p.Gly127= (NM_001297764.2, NM_005709.4).
Identifiers: ClinVar variation 48014 (VCV000048014.53), dbSNP rs41282942, ClinGen allele CA142374.

ClinVar aggregate classification (germline): Conflicting classifications of pathogenicity. Review status: criteria provided, conflicting classifications (1 of 4 stars). 10 submissions from 10 submitters: Uncertain significance (1); Benign (5); Likely benign (1). 3 of the submissions do not count toward it. Last evaluated 2026-03-01.

Conditions:
Usher syndrome type 1C. Also called: USHER SYNDROME, TYPE I, ACADIAN VARIETY. Identifiers: Orphanet 231169, Orphanet 886, MedGen C1848604, MONDO:0010171, OMIM 276904.

Allele frequency attached by ClinVar (database versions not stated): 1000 Genomes Project 0.00140; gnomAD exomes 0.00318 and 0.00384; ExAC 0.00327; 1000 Genomes Project 30x 0.00141; TOPMed 0.00289; gnomAD 0.00290 and 0.00293; ESP Exome Variant Server 0.00316.
gnomAD v4.1: 6,044 of 1,614,094 alleles (0.37%); highest among the groups gnomAD compares: Middle Eastern, 0.91%; 18 homozygotes.

Submissions (10):

CeGaT Center for Human Genetics Tuebingen
Classification: Likely benign. Last evaluated: 2026-03-01. Review status: criteria provided, single submitter. Criteria: CeGaT Center For Human Genetics Tuebingen Variant Classification Criteria Version 2. Collection method: clinical testing. Allele origin: germline. Affected: yes. Observed: 7 variant alleles.
Comment: USH1C: BP4, BP7, BS2

Labcorp Genetics (formerly Invitae), Labcorp
Classification: Benign. Last evaluated: 2026-01-31. Review status: criteria provided, single submitter. Criteria: Invitae Variant Classification Sherloc (09022015). Collection method: clinical testing. Allele origin: germline.

Women's Health and Genetics/Laboratory Corporation of America, LabCorp
Classification: Benign. Last evaluated: 2024-04-17. Review status: criteria provided, single submitter. Criteria: LabCorp Variant Classification Summary - May 2015. Collection method: clinical testing. Allele origin: germline.

GeneDx
Classification: Benign. Last evaluated: 2019-02-13. Review status: criteria provided, single submitter. Criteria: GeneDx Variant Classification Process June 2021. Collection method: clinical testing. Allele origin: germline. Affected: yes.
Comment: This variant is associated with the following publications: (PMID: 11139240, 12702164)

Illumina Laboratory Services, Illumina
Classification: Uncertain significance for Usher syndrome type 1C. Last evaluated: 2017-04-27. Review status: criteria provided, single submitter. Criteria: ICSL Variant Classification Criteria 13 December 2019. Collection method: clinical testing. Allele origin: germline.
Comment: This variant was observed as part of a predisposition screen in an ostensibly healthy population. A literature search was performed for the gene, cDNA change, and amino acid change (where applicable). Publications were found based on this search. However, the evidence from the literature, in combination with allele frequency data from public databases where available, was not sufficient to rule this variant in or out of causing disease. Therefore, this variant is classified as a variant of unknown significance.

Eurofins Ntd Llc (ga)
Classification: Benign. Last evaluated: 2015-09-22. Review status: criteria provided, single submitter. Criteria: EGL Classification Definitions 2015. Collection method: clinical testing. Allele origin: germline. Observed: 1 variant allele, 1 heterozygote.

Laboratory for Molecular Medicine, Mass General Brigham Personalized Medicine
Classification: Benign. Last evaluated: 2012-05-14. Review status: criteria provided, single submitter. Criteria: LMM Criteria. Collection method: clinical testing. Allele origin: germline. Observed: 21 variant alleles.
Comment: Gly127Gly in Exon 04 of USH1C: This variant is not expected to have clinical sig nificance because it does not alter an amino acid residue, is not located within the splice consensus sequence, has been identified in 0.5% (35/7020) of Europea n American chromosomes from a broad population by the NHLBI Exome Sequencing Pro ject (dbSNP rs41282942) and has been identifie d in cis with a pathogenic variant (Zwaenepoel 2001).

Natera, Inc.
Classification: Benign for Usher syndrome type 1C. Last evaluated: 2019-12-18. Review status: no assertion criteria provided. Collection method: clinical testing. Allele origin: germline. Not counted in ClinVar's aggregate classification.

Clinical Genetics DNA and cytogenetics Diagnostics Lab, Erasmus MC, Erasmus Medical Center
Classification: Likely benign. Review status: no assertion criteria provided. Collection method: clinical testing. Allele origin: germline. Affected: yes. Study: VKGL Data-share Consensus. Not counted in ClinVar's aggregate classification.

Clinical Genetics, Academic Medical Center
Classification: Benign. Review status: no assertion criteria provided. Collection method: clinical testing. Allele origin: germline. Affected: yes. Study: VKGL Data-share Consensus. Not counted in ClinVar's aggregate classification.

Literature cited by the submitters: PubMed 12702164 (cited by Illumina Laboratory Services, Illumina); PubMed 11139240 (cited by Illumina Laboratory Services, Illumina and Laboratory for Molecular Medicine, Mass General Brigham Personalized Medicine); PubMed 20146813 (cited by Laboratory for Molecular Medicine, Mass General Brigham Personalized Medicine).